The following is an entry in ClinVar:

NM_004035.7(ACOX1):c.116T>A (p.Met39Lys)

Gene: ACOX1 (acyl-CoA oxidase 1; minus strand). Cytogenetic location: 17q25.1.
Variant type: single nucleotide variant.
Coding change: c.116T>A on transcript NM_004035.7 (MANE Select); coding-DNA position 116, T replaced by A.
Protein change: p.Met39Lys; replaces methionine 39 with lysine.
Molecular consequence: missense variant. On other transcripts: initiator codon variant (1).
Genome position (GRCh38, 1-based): chr17:75,978,687, A>T on the plus strand (T>A on the coding strand, the complement: ACOX1 is on the minus strand). VCF-style: chr17-75978687-A-T. GRCh37 (hg19) VCF-style: chr17-73974768-A-T.
Other names: c.2T>A, p.Met1Lys (NM_001185039.2); c.116T>A, p.Met39Lys (NM_007292.6); short protein forms M39K, M1K.
Identifiers: ClinVar variation 3701187 (VCV003701187.2).

ClinVar aggregate classification (germline): Uncertain significance (1 of 4 stars; one submission).

Conditions:
Acyl-CoA oxidase deficiency. Also called: Peroxisomal acyl-CoA oxidase deficiency; STRAIGHT-CHAIN ACYL-CoA OXIDASE DEFICIENCY; Pseudoneonatal adrenoleukodystrophy. Identifiers: Orphanet 2971, MedGen C1849678, MONDO:0009919, OMIM 264470. Disease mechanism: loss of function.

gnomAD v4.1: 3 of 1,613,892 alleles (0.00019%); highest among the groups gnomAD compares: Non-Finnish European, 0.00025%; no homozygotes.

Submission:

Labcorp Genetics (formerly Invitae), Labcorp
Classification: Uncertain significance for Acyl-CoA oxidase deficiency. Last evaluated: 2024-11-05. Review status: criteria provided, single submitter. Criteria: Invitae Variant Classification Sherloc (09022015). Collection method: clinical testing. Allele origin: germline.
Comment: This sequence change replaces methionine, which is neutral and non-polar, with lysine, which is basic and polar, at codon 39 of the ACOX1 protein (p.Met39Lys). This variant is present in population databases (no rsID available, gnomAD 0.0009%). This variant has not been reported in the literature in individuals affected with ACOX1-related conditions. Invitae Evidence Modeling of protein sequence and biophysical properties (such as structural, functional, and spatial information, amino acid conservation, physicochemical variation, residue mobility, and thermodynamic stability) indicates that this missense variant is not expected to disrupt ACOX1 protein function with a negative predictive value of 80%. In summary, the available evidence is currently insufficient to determine the role of this variant in disease. Therefore, it has been classified as a Variant of Uncertain Significance.